The following is an entry in ClinVar:

NM_000343.4(SLC5A1):c.919A>G (p.Met307Val)

Gene: SLC5A1 (solute carrier family 5 member 1; plus strand). Cytogenetic location: 22q12.3.
Variant type: single nucleotide variant.
Coding change: c.919A>G on transcript NM_000343.4 (MANE Select); coding-DNA position 919, A replaced by G.
Protein change: p.Met307Val; replaces methionine 307 with valine.
Molecular consequence: missense variant.
Genome position (GRCh38, 1-based): chr22:32,084,933, A>G. VCF-style: chr22-32084933-A-G. GRCh37 (hg19) VCF-style: chr22-32480920-A-G.
Other names: c.538A>G, p.Met180Val (NM_001256314.2); short protein forms M180V, M307V.
Identifiers: ClinVar variation 1351095 (VCV001351095.8), dbSNP rs767572551, ClinGen allele CA10198098.

ClinVar aggregate classification (germline): Uncertain significance (1 of 4 stars; one submission).

Conditions:
Congenital glucose-galactose malabsorption (GGM). Also called: DIARRHEA 16; MONOSACCHARIDE MALABSORPTION. Identifiers: Orphanet 35710, MedGen C0268186, MONDO:0011731, OMIM 606824.

Allele frequency attached by ClinVar (database versions not stated): gnomAD exomes 0.00002 and 0.00003; ExAC 0.00004.

Submission:

Labcorp Genetics (formerly Invitae), Labcorp
Classification: Uncertain significance for Congenital glucose-galactose malabsorption. Last evaluated: 2022-12-06. Review status: criteria provided, single submitter. Criteria: Invitae Variant Classification Sherloc (09022015). Collection method: clinical testing. Allele origin: germline.
Comment: This sequence change replaces methionine, which is neutral and non-polar, with valine, which is neutral and non-polar, at codon 307 of the SLC5A1 protein (p.Met307Val). This variant is present in population databases (rs767572551, gnomAD 0.03%). This variant has not been reported in the literature in individuals affected with SLC5A1-related conditions. ClinVar contains an entry for this variant (Variation ID: 1351095). Advanced modeling of protein sequence and biophysical properties (such as structural, functional, and spatial information, amino acid conservation, physicochemical variation, residue mobility, and thermodynamic stability) performed at Invitae indicates that this missense variant is not expected to disrupt SLC5A1 protein function. In summary, the available evidence is currently insufficient to determine the role of this variant in disease. Therefore, it has been classified as a Variant of Uncertain Significance.